The following is an entry in ClinVar:

NM_001004334.4(GPR179):c.7009T>A (p.Ser2337Thr)

Gene: GPR179 (G protein-coupled receptor 179; minus strand). Cytogenetic location: 17q12.
Variant type: single nucleotide variant.
Coding change: c.7009T>A on transcript NM_001004334.4 (MANE Select); coding-DNA position 7009, T replaced by A.
Protein change: p.Ser2337Thr; replaces serine 2337 with threonine.
Molecular consequence: missense variant.
Genome position (GRCh38, 1-based): chr17:38,326,560, A>T on the plus strand (T>A on the coding strand, the complement: GPR179 is on the minus strand). VCF-style: chr17-38326560-A-T. GRCh37 (hg19) VCF-style: chr17-36482443-A-T.
Other names: short protein forms S2337T.
Identifiers: ClinVar variation 1947031 (VCV001947031.5), dbSNP rs2512154864, ClinGen allele CA398866738.

ClinVar aggregate classification (germline): Uncertain significance (1 of 4 stars; one submission).

Submission:

Labcorp Genetics (formerly Invitae), Labcorp
Classification: Uncertain significance. Last evaluated: 2022-07-25. Review status: criteria provided, single submitter. Criteria: Invitae Variant Classification Sherloc (09022015). Collection method: clinical testing. Allele origin: germline.
Comment: This variant is not present in population databases (gnomAD no frequency). This variant has not been reported in the literature in individuals affected with GPR179-related conditions. Algorithms developed to predict the effect of missense changes on protein structure and function (SIFT, PolyPhen-2, Align-GVGD) all suggest that this variant is likely to be tolerated. In summary, the available evidence is currently insufficient to determine the role of this variant in disease. Therefore, it has been classified as a Variant of Uncertain Significance. This sequence change replaces serine, which is neutral and polar, with threonine, which is neutral and polar, at codon 2337 of the GPR179 protein (p.Ser2337Thr).